The following is an entry in ClinVar:

NM_201253.3(CRB1):c.2195_2204del (p.Ser732fs)

Gene: CRB1 (crumbs cell polarity complex component 1; plus strand). Cytogenetic location: 1q31.3.
Variant type: Deletion.
Coding change: c.2195_2204del on transcript NM_201253.3 (MANE Select); coding-DNA positions 2195 to 2204, 10 bases deleted (GCTATGGAGA; older notation c.2195_2204delGCTATGGAGA).
Protein change: p.Ser732fs; shifts the reading frame from serine 732.
Molecular consequence: frameshift variant. On other transcripts: non-coding transcript variant (2), intron variant (1).
Genome position (GRCh38, 1-based): chr1:197,427,520-197,427,529, GCTATGGAGA deleted; deleting any 10 consecutive bases within chr1:197,427,516-197,427,529 gives the same sequence; the c. name uses the placement nearest the transcript's 3' end. VCF-style (leftmost placement, unchanged base first): chr1-197427515-TGAGAGCTATG-T. GRCh37 (hg19) VCF-style: chr1-197396645-TGAGAGCTATG-T.
Other names: c.1859_1868del, p.Ser620fs (NM_001193640.2); c.1988_1997del, p.Ser663fs (NM_001257965.2); c.2128+5564_2128+5573del (NM_001257966.2); short protein forms S620fs, S732fs, S663fs.
Identifiers: ClinVar variation 2102363 (VCV002102363.4), dbSNP rs2528147634, ClinGen allele CA2574105527.

ClinVar aggregate classification (germline): Pathogenic (1 of 4 stars; one submission).

Conditions:
Leber congenital amaurosis 8 (LCA8). Identifiers: Orphanet 65, MedGen C3151202, MONDO:0013453, OMIM 613835.
Retinitis pigmentosa 12 (RP12). Also called: RP WITH OR WITHOUT PRESERVED PARAARTERIOLE RETINAL PIGMENT EPITHELIUM; RETINITIS PIGMENTOSA WITH OR WITHOUT PARAARTERIOLAR PRESERVATION OF RETINAL PIGMENT EPITHELIUM; RP WITH OR WITHOUT PPRPE. Identifiers: Orphanet 791, MedGen C1838647, MONDO:0010818, OMIM 600105.

Submission:

Labcorp Genetics (formerly Invitae), Labcorp
Classification: Pathogenic for Leber congenital amaurosis 8; Retinitis pigmentosa 12. Last evaluated: 2022-02-23. Review status: criteria provided, single submitter. Criteria: Invitae Variant Classification Sherloc (09022015). Collection method: clinical testing. Allele origin: germline.
Comment: This variant is not present in population databases (gnomAD no frequency). This sequence change creates a premature translational stop signal (p.Ser732Thrfs*19) in the CRB1 gene. It is expected to result in an absent or disrupted protein product. Loss-of-function variants in CRB1 are known to be pathogenic (PMID: 10508521, 22065545, 23379534, 25412400, 26957898, 28041643, 29391521). This variant has not been reported in the literature in individuals affected with CRB1-related conditions. For these reasons, this variant has been classified as Pathogenic.

Literature cited by the submitters: PubMed 10508521; PubMed 22065545; PubMed 23379534; PubMed 25412400; PubMed 26957898; PubMed 28041643; PubMed 29391521.